The following is an entry in ClinVar:

ClinVar aggregate classification (germline): Uncertain significance. Review status: criteria provided, multiple submitters, no conflicts (2 of 4 stars). 2 submissions from 2 submitters: Uncertain significance (2). Last evaluated 2025-10-08.

Conditions:
Melnick-Needles syndrome (MNS). Also called: Melnick-Needles Syndrome (FLNA-MNS); MELNICK-NEEDLES OSTEODYSPLASTY; OSTEODYSPLASTY OF MELNICK AND NEEDLES. Identifiers: Orphanet 2484, MedGen C0025237, MONDO:0010650, OMIM 309350.
Frontometaphyseal dysplasia (FMD1). Identifiers: Orphanet 1826, MedGen C0265293, MONDO:0015942.
Heterotopia, periventricular, X-linked dominant (PVNH1). Also called: X-linked periventricular heterotopia; PERIVENTRICULAR NODULAR HETEROTOPIA 4; HETEROTOPIA, PERIVENTRICULAR, 1; PERIVENTRICULAR NODULAR HETEROTOPIA 1. Identifiers: Orphanet 2149, Orphanet 82004, MedGen C1848213, MONDO:0010233, OMIM 300049.
Oto-palato-digital syndrome, type II (OPD2). Also called: Otopalatodigital Syndrome Type 2 (FLNA-OPD2); FACIOPALATOOSSEOUS SYNDROME; OPD II SYNDROME; Otopalatodigital Syndrome, Type II. Identifiers: Orphanet 669, Orphanet 90652, MedGen C1844696, MONDO:0010571, OMIM 304120.

Allele frequency attached by ClinVar (database versions not stated): TOPMed 0.00002; gnomAD exomes below 0.00001.
gnomAD v4.1: 4 of 1,210,425 alleles (0.00033%); highest among the groups gnomAD compares: Non-Finnish European, 0.00045%; no homozygotes.

Submissions (2):

Labcorp Genetics (formerly Invitae), Labcorp
Classification: Uncertain significance for Oto-palato-digital syndrome, type II; Heterotopia, periventricular, X-linked dominant; Frontometaphyseal dysplasia; Melnick-Needles syndrome. Last evaluated: 2025-10-08. Review status: criteria provided, single submitter. Criteria: Invitae Variant Classification Sherloc (09022015). Collection method: clinical testing. Allele origin: germline.
Comment: This sequence change replaces valine, which is neutral and non-polar, with isoleucine, which is neutral and non-polar, at codon 2391 of the FLNA protein (p.Val2391Ile). This variant is not present in population databases (gnomAD no frequency). This missense change has been observed in individual(s) with coronary artery dissection (PMID: 29650765). ClinVar contains an entry for this variant (Variation ID: 239023). Invitae Evidence Modeling of protein sequence and biophysical properties (such as structural, functional, and spatial information, amino acid conservation, physicochemical variation, residue mobility, and thermodynamic stability) indicates that this missense variant is not expected to disrupt FLNA protein function with a negative predictive value of 95%. In summary, the available evidence is currently insufficient to determine the role of this variant in disease. Therefore, it has been classified as a Variant of Uncertain Significance.

Revvity Omics, Revvity
Classification: Uncertain significance. Last evaluated: 2022-06-10. Review status: criteria provided, single submitter. Criteria: ACMG Guidelines, 2015. Collection method: clinical testing. Allele origin: germline.

Literature cited by the submitters: PubMed 29650765 (cited by Labcorp Genetics (formerly Invitae), Labcorp).

NM_001110556.2(FLNA):c.7195G>A (p.Val2399Ile)

Gene: FLNA (filamin A; minus strand). Cytogenetic location: Xq28.
Variant type: single nucleotide variant.
Coding change: c.7195G>A on transcript NM_001110556.2 (MANE Select); coding-DNA position 7195, G replaced by A.
Protein change: p.Val2399Ile; replaces valine 2399 with isoleucine.
Molecular consequence: missense variant.
Genome position (GRCh38, 1-based): chrX:154,350,169, C>T on the plus strand (G>A on the coding strand, the complement: FLNA is on the minus strand). VCF-style: chrX-154350169-C-T. GRCh37 (hg19) VCF-style: chrX-153578537-C-T.
Other names: c.7171G>A, p.Val2391Ile (NM_001456.4); short protein forms V2391I, V2399I.
Identifiers: ClinVar variation 239023 (VCV000239023.12), dbSNP rs878854463, ClinGen allele CA10583935.
Genomic context (GRCh38, chrX:154,350,169, plus strand): 5'-GGATCTTGAAGGGGCTTCCAGGGATGTGGGTGCCGTTGAACTTGACGTCAATCAGGTAAA[C>T]GCCATTCTCCCGAGGGATGAAGCGCACAGCATACTTATCTGAGGAGCAGGGAGTCATGCT-3'
Protein context (NP_001104026.1, residues 2389-2409): AVRFIPRENG[Val2399Ile]YLIDVKFNGT